The following is an entry in ClinVar:

NM_002474.3(MYH11):c.2611G>T (p.Ala871Ser)

Gene: MYH11 (myosin heavy chain 11; minus strand). Cytogenetic location: 16p13.11.
Variant type: single nucleotide variant.
Coding change: c.2611G>T on transcript NM_002474.3 (MANE Select); coding-DNA position 2611, G replaced by T.
Protein change: p.Ala871Ser; replaces alanine 871 with serine.
Molecular consequence: missense variant.
Genome position (GRCh38, 1-based): chr16:15,741,801, C>A on the plus strand (G>T on the coding strand, the complement: MYH11 is on the minus strand). VCF-style: chr16-15741801-C-A. GRCh37 (hg19) VCF-style: chr16-15835658-C-A.
Other names: c.2632G>T, p.Ala878Ser (NM_001040113.2, NM_001040114.2); c.2611G>T, p.Ala871Ser (NM_022844.3); short protein forms A871S, A878S.
Identifiers: ClinVar variation 2578249 (VCV002578249.1), dbSNP rs2506208407, ClinGen allele CA394866242.

ClinVar aggregate classification (germline): Uncertain significance (1 of 4 stars; one submission).

Submission:

GeneDx
Classification: Uncertain significance. Last evaluated: 2023-02-28. Review status: criteria provided, single submitter. Criteria: GeneDx Variant Classification Process June 2021. Collection method: clinical testing. Allele origin: germline. Affected: yes.
Comment: Has not been previously published as pathogenic or benign to our knowledge; Not observed at significant frequency in large population cohorts (gnomAD); In silico analysis supports that this missense variant does not alter protein structure/function